The following is an entry in ClinVar:

NM_000211.5(ITGB2):c.148-1016C>T

Gene: ITGB2 (integrin subunit beta 2; minus strand). Cytogenetic location: 21q22.3.
Variant type: single nucleotide variant.
Coding change: c.148-1016C>T on transcript NM_000211.5 (MANE Select); 1016 bases into the intron before coding-DNA position 148, C replaced by T.
Molecular consequence: intron variant.
Genome position (GRCh38, 1-based): chr21:44,908,111, G>A on the plus strand (C>T on the coding strand, the complement: ITGB2 is on the minus strand). VCF-style: chr21-44908111-G-A. GRCh37 (hg19) VCF-style: chr21-46328026-G-A.
Other names: c.148-1016C>T (NM_001127491.3); c.-60-1016C>T (NM_001303238.2).
Identifiers: ClinVar variation 2688188 (VCV002688188.2), dbSNP rs3746973, ClinGen allele CA10063337.

ClinVar aggregate classification (germline): Benign (1 of 4 stars; one submission).

Allele frequency attached by ClinVar (database versions not stated): 1000 Genomes Project 0.19149; 1000 Genomes Project 30x 0.19410; gnomAD exomes 0.20153; gnomAD 0.20229; TOPMed 0.20768; ExAC 0.24598.

Submission:

Unidad de Genómica Garrahan, Hospital de Pediatría Garrahan
Classification: Benign. Last evaluated: 2024-01-24. Review status: criteria provided, single submitter. Criteria: ACMG Guidelines, 2015. Collection method: clinical testing. Allele origin: germline. Affected: no. Observed: 37 variant alleles.
Comment: This variant is classified as Benign based on local population frequency. This variant was detected in 39% of patients studied by a panel of primary immunodeficiencies. Number of patients: 37. Only high quality variants are reported.